The following is an entry in ClinVar:

NM_000093.5(COL5A1):c.4174del (p.Arg1392fs)

Gene: COL5A1 (collagen type V alpha 1 chain; plus strand). Cytogenetic location: 9q34.3.
Variant type: Deletion.
Coding change: c.4174del on transcript NM_000093.5 (MANE Select); coding-DNA position 4174, one base deleted (A; older notation c.4174delA).
Protein change: p.Arg1392fs; shifts the reading frame from arginine 1392.
Molecular consequence: frameshift variant.
Genome position (GRCh38, 1-based): chr9:134,817,077, A deleted; the last of 5 consecutive A bases (chr9:134,817,073-134,817,077); deleting any one gives the same sequence. VCF-style (leftmost placement, unchanged base first): chr9-134817072-GA-G. GRCh37 (hg19) VCF-style: chr9-137708918-GA-G.
Other names: c.4174del, p.Arg1392fs (NM_001278074.1); short protein forms R1392fs.
Identifiers: ClinVar variation 3382310 (VCV003382310.2).
Genomic context (GRCh38, chr9:134,817,072, plus strand): 5'-TCTCCCAATACCAGGGATCCCCCGGCCCTACTGGTGAACCAGGTCCATCGGGGCCTCCAG[GA>G]AAAAGGGTAAATAATCCTGCAGGCACATCCTTGCTGTCAAATCCCTGCATGAAACACCCC-3'

ClinVar aggregate classification (germline): Pathogenic (1 of 4 stars; one submission).

Conditions:
Ehlers-Danlos syndrome, classic type, 1 (EDSCL1). Also called: EHLERS-DANLOS SYNDROME, GRAVIS TYPE; EHLERS-DANLOS SYNDROME, SEVERE CLASSIC TYPE; Ehlers-Danlos syndrome, type 1; Ehlers-Danlos Syndrome, Classic Type, COL5A1-Related; EDS I. Identifiers: MedGen C0268335, MONDO:0019567, OMIM 130000.

Submission:

Juno Genomics, Hangzhou Juno Genomics, Inc
Classification: Pathogenic for Ehlers-Danlos syndrome, classic type, 1. Review status: criteria provided, single submitter. Criteria: ACMG Guidelines, 2015. Collection method: clinical testing. Allele origin: germline. Affected: yes.
Comment: Absent from controls (or at extremely low frequency if recessive) in Genome Aggregation Database, Exome Sequencing Project, 1000 Genomes Project, or Exome Aggregation Consortium.;Null variant in a gene where loss of function (LOF) is a known mechanism of disease.;Patient's phenotype or family history is highly specific for a disease with a single genetic etiology.